The following is an entry in ClinVar:

ClinVar aggregate classification (germline): Uncertain significance (1 of 4 stars; one submission).

Submission:

Labcorp Genetics (formerly Invitae), Labcorp
Classification: Uncertain significance. Last evaluated: 2023-12-10. Review status: criteria provided, single submitter. Criteria: Invitae Variant Classification Sherloc (09022015). Collection method: clinical testing. Allele origin: germline.
Comment: This sequence change replaces aspartic acid, which is acidic and polar, with asparagine, which is neutral and polar, at codon 1685 of the COL11A1 protein (p.Asp1685Asn). This variant is not present in population databases (gnomAD no frequency). This variant has not been reported in the literature in individuals affected with COL11A1-related conditions. Advanced modeling of protein sequence and biophysical properties (such as structural, functional, and spatial information, amino acid conservation, physicochemical variation, residue mobility, and thermodynamic stability) has been performed at Invitae for this missense variant, however the output from this modeling did not meet the statistical confidence thresholds required to predict the impact of this variant on COL11A1 protein function. In summary, the available evidence is currently insufficient to determine the role of this variant in disease. Therefore, it has been classified as a Variant of Uncertain Significance.

NM_001854.4(COL11A1):c.5053G>A (p.Asp1685Asn)

Genes: COL11A1 (collagen type XI alpha 1 chain; minus strand), LOC126805814 (P300/CBP strongly-dependent group 1 enhancer GRCh37_chr1:103344928-103346127; plus strand). Cytogenetic location: 1p21.1.
Variant type: single nucleotide variant.
Coding change: c.5053G>A on transcript NM_001854.4 (MANE Select); coding-DNA position 5053, G replaced by A.
Protein change: p.Asp1685Asn; replaces aspartic acid 1685 with asparagine.
Molecular consequence: missense variant. On other transcripts: non-coding transcript variant (1).
Genome position (GRCh38, 1-based): chr1:102,879,904, C>T on the plus strand (G>A on the coding strand, the complement: COL11A1 is on the minus strand). VCF-style: chr1-102879904-C-T. GRCh37 (hg19) VCF-style: chr1-103345460-C-T.
Other names: c.4705G>A, p.Asp1569Asn (NM_001168249.1, NM_080630.4); c.4936G>A, p.Asp1646Asn (NM_001190709.2); c.5089G>A, p.Asp1697Asn (NM_080629.3); short protein forms D1646N, D1697N, D1685N, D1569N.
Identifiers: ClinVar variation 2701972 (VCV002701972.3), dbSNP rs2524163145, ClinGen allele CA341211211.
Genomic context (GRCh38, chr1:102,879,904, plus strand): 5'-AGGCAGTCAGAAGTTTCAGGAATGTCATTTGCACCATATTGATGGAATTTCCTTCAACAT[C>T]TAAGTATGAAAGCTAGGAATAAAGGAATAAAAAGACACCTAATGACTCTTTTCCTCTTTT-3'
Protein context (NP_001845.3, residues 1675-1695): FKRGKLLSYL[Asp1685Asn]VEGNSINMVQ